The following is an entry in ClinVar:

NM_032237.5(POMK):c.219C>G (p.Ser73=)

Gene: POMK (protein O-mannose kinase; plus strand). Cytogenetic location: 8p11.21.
Variant type: single nucleotide variant.
Coding change: c.219C>G on transcript NM_032237.5 (MANE Select); coding-DNA position 219, C replaced by G.
Protein change: p.Ser73=; no amino-acid change (serine 73 retained).
Molecular consequence: synonymous variant.
Genome position (GRCh38, 1-based): chr8:43,103,767, C>G. VCF-style: chr8-43103767-C-G. GRCh37 (hg19) VCF-style: chr8-42958910-C-G.
Other names: p.Ser73=; c.219C>G, p.Ser73= (NM_001277971.2).
Identifiers: ClinVar variation 541244 (VCV000541244.11), dbSNP rs188920070, ClinGen allele CA4736220.
Genomic context (GRCh38, chr8:43,103,767, plus strand): 5'-ACACTGTCCCTATGGTCACTTCAGGATAGGACAGATGAAAAACTGCTCACCTTGGCTGTC[C>G]TGCGAGGAGCTGAGAACAGAAGTGAGACAGCTGAAGCGTGTTGGGGAAGGAGCTGTAAAG-3'
Protein context (NP_115613.1, residues 63-83): GQMKNCSPWL[Ser73=]CEELRTEVRQ

ClinVar aggregate classification (germline): Likely benign. Review status: criteria provided, multiple submitters, no conflicts (2 of 4 stars). 2 submissions from 2 submitters: Likely benign (2). Last evaluated 2025-10-03.

Conditions:
Muscular dystrophy-dystroglycanopathy (congenital with brain and eye anomalies), type a, 12 (MDDGA12). Also called: WALKER-WARBURG SYNDROME OR MUSCLE-EYE-BRAIN DISEASE, POMK-RELATED. Identifiers: Orphanet 899, MedGen C3808964, MONDO:0014101, OMIM 615249.
Limb-girdle muscular dystrophy due to POMK deficiency. Also called: Muscular dystrophy-dystroglycanopathy (limb-girdle), type c, 12; MUSCULAR DYSTROPHY-DYSTROGLYCANOPATHY, LIMB-GIRDLE, POMK-RELATED. Identifiers: Orphanet 445110, MedGen C4015184, MONDO:0014489, OMIM 616094.

Allele frequency attached by ClinVar (database versions not stated): gnomAD 0.00007 and 0.00010; ExAC 0.00008; 1000 Genomes Project 0.00100; TOPMed 0.00009; gnomAD exomes 0.00008; 1000 Genomes Project 30x 0.00109.
gnomAD v4.1: 178 of 1,614,216 alleles (0.011%); highest among the groups gnomAD compares: Admixed American, 0.035%; 1 homozygote.

Submissions (2):

Labcorp Genetics (formerly Invitae), Labcorp
Classification: Likely benign for Muscular dystrophy-dystroglycanopathy (congenital with brain and eye anomalies), type a, 12; Limb-girdle muscular dystrophy due to POMK deficiency. Last evaluated: 2025-10-03. Review status: criteria provided, single submitter. Criteria: Invitae Variant Classification Sherloc (09022015). Collection method: clinical testing. Allele origin: germline.

Mayo Clinic Laboratories, Mayo Clinic
Classification: Likely benign. Last evaluated: 2025-02-24. Review status: criteria provided, single submitter. Criteria: ACMG Guidelines, 2015. Collection method: clinical testing. Allele origin: germline. Observed: 1 variant allele.
Comment: BP4, BP7